The following is an entry in ClinVar:

ClinVar aggregate classification (germline): Uncertain significance (1 of 4 stars; one submission).

Submission:

Labcorp Genetics (formerly Invitae), Labcorp
Classification: Uncertain significance. Last evaluated: 2023-07-03. Review status: criteria provided, single submitter. Criteria: Invitae Variant Classification Sherloc (09022015). Collection method: clinical testing. Allele origin: germline.
Comment: This sequence change replaces valine, which is neutral and non-polar, with leucine, which is neutral and non-polar, at codon 739 of the CDH2 protein (p.Val739Leu). This variant is present in population databases (no rsID available, gnomAD 0.006%). This variant has not been reported in the literature in individuals affected with CDH2-related conditions. An algorithm developed to predict the effect of missense changes on protein structure and function (PolyPhen-2) suggests that this variant is likely to be disruptive. In summary, the available evidence is currently insufficient to determine the role of this variant in disease. Therefore, it has been classified as a Variant of Uncertain Significance.

NM_001792.5(CDH2):c.2215G>T (p.Val739Leu)

Gene: CDH2 (cadherin 2; minus strand). Cytogenetic location: 18q12.1.
Variant type: single nucleotide variant.
Coding change: c.2215G>T on transcript NM_001792.5 (MANE Select); coding-DNA position 2215, G replaced by T.
Protein change: p.Val739Leu; replaces valine 739 with leucine.
Molecular consequence: missense variant.
Genome position (GRCh38, 1-based): chr18:27,983,078, C>A on the plus strand (G>T on the coding strand, the complement: CDH2 is on the minus strand). VCF-style: chr18-27983078-C-A. GRCh37 (hg19) VCF-style: chr18-25563042-C-A.
Other names: c.2122G>T, p.Val708Leu (NM_001308176.2); short protein forms V708L, V739L.
Identifiers: ClinVar variation 2720355 (VCV002720355.3), dbSNP rs753513462, ClinGen allele CA402106437.